The following is an entry in ClinVar:

ClinVar aggregate classification (germline): Likely pathogenic (1 of 4 stars; one submission).

Conditions:
Pontocerebellar hypoplasia, type 16. Identifiers: MedGen C5561987, MONDO:0030438, OMIM 619527.

Submission:

Medical Molecular Genetics, National Research Centre
Classification: Likely pathogenic for Pontocerebellar hypoplasia, type 16. Last evaluated: 2025-08-01. Review status: criteria provided, single submitter. Criteria: ACMG Guidelines, 2015. Collection method: clinical testing. Allele origin: germline. Affected: yes. Observed: 1 variant allele.
Comment: "Nonsense variant causing protein truncation; classified likely pathogenic per ACMG PVS1, PM2 criteria; singleton allele in gnomAD

NM_004897.5(MINPP1):c.422G>A (p.Trp141Ter)

Gene: MINPP1 (multiple inositol-polyphosphate phosphatase 1; plus strand). Cytogenetic location: 10q23.2.
Variant type: single nucleotide variant.
Coding change: c.422G>A on transcript NM_004897.5 (MANE Select); coding-DNA position 422, G replaced by A.
Protein change: p.Trp141Ter; replaces tryptophan 141 with a stop codon.
Molecular consequence: nonsense.
Genome position (GRCh38, 1-based): chr10:87,505,337, G>A. VCF-style: chr10-87505337-G-A. GRCh37 (hg19) VCF-style: chr10-89265094-G-A.
Other names: c.422G>A, p.Trp141Ter (NM_001178117.2); short protein forms W141*.
Identifiers: ClinVar variation 4082279 (VCV004082279.1).